The following is an entry in ClinVar:

NM_002693.3(POLG):c.591C>A (p.Phe197Leu)

Genes: POLG (DNA polymerase gamma, catalytic subunit; minus strand), POLGARF (POLG alternative reading frame; minus strand). Cytogenetic location: 15q26.1.
Variant type: single nucleotide variant.
Coding change: c.591C>A on transcript NM_002693.3 (MANE Select); coding-DNA position 591, C replaced by A.
Protein change: p.Phe197Leu; replaces phenylalanine 197 with leucine.
Molecular consequence: missense variant.
Genome position (GRCh38, 1-based): chr15:89,333,164, G>T on the plus strand (C>A on the coding strand, the complement: POLG is on the minus strand). VCF-style: chr15-89333164-G-T. GRCh37 (hg19) VCF-style: chr15-89876395-G-T.
Other names: c.591C>A, p.Phe197Leu (NM_001126131.2); short protein forms F197L.
Identifiers: ClinVar variation 2991008 (VCV002991008.3), dbSNP rs2509274850, ClinGen allele CA393770548.

ClinVar aggregate classification (germline): Uncertain significance (1 of 4 stars; one submission).

Conditions:
Progressive sclerosing poliodystrophy (MTDPS4A). Also called: Mitochondrial DNA Depletion Syndrome 4A; ALPERS PROGRESSIVE INFANTILE POLIODYSTROPHY; NEURONAL DEGENERATION OF CHILDHOOD WITH LIVER DISEASE, PROGRESSIVE; Mitochondrial DNA depletion syndrome 4A (Alpers type); Alpers Syndrome; ALPERS DIFFUSE DEGENERATION OF CEREBRAL GRAY MATTER WITH HEPATIC CIRRHOSIS. Identifiers: Orphanet 726, MedGen C0205710, MONDO:0008758, OMIM 203700.

gnomAD v4.1: 2 of 1,551,754 alleles (0.00013%); highest among the groups gnomAD compares: Non-Finnish European, 0.00017%; no homozygotes.

Submission:

Labcorp Genetics (formerly Invitae), Labcorp
Classification: Uncertain significance for Progressive sclerosing poliodystrophy. Last evaluated: 2023-10-09. Review status: criteria provided, single submitter. Criteria: Invitae Variant Classification Sherloc (09022015). Collection method: clinical testing. Allele origin: germline.
Comment: This sequence change replaces phenylalanine, which is neutral and non-polar, with leucine, which is neutral and non-polar, at codon 197 of the POLG protein (p.Phe197Leu). This variant is not present in population databases (gnomAD no frequency). This variant has not been reported in the literature in individuals affected with POLG-related conditions. Advanced modeling of protein sequence and biophysical properties (such as structural, functional, and spatial information, amino acid conservation, physicochemical variation, residue mobility, and thermodynamic stability) has been performed at Invitae for this missense variant, however the output from this modeling did not meet the statistical confidence thresholds required to predict the impact of this variant on POLG protein function. In summary, the available evidence is currently insufficient to determine the role of this variant in disease. Therefore, it has been classified as a Variant of Uncertain Significance.